The following is an entry in ClinVar:

NM_000901.5(NR3C2):c.2491C>A (p.Pro831Thr)

Gene: NR3C2 (nuclear receptor subfamily 3 group C member 2; minus strand). Cytogenetic location: 4q31.23.
Variant type: single nucleotide variant.
Coding change: c.2491C>A on transcript NM_000901.5 (MANE Select); coding-DNA position 2491, C replaced by A.
Protein change: p.Pro831Thr; replaces proline 831 with threonine.
Molecular consequence: missense variant.
Genome position (GRCh38, 1-based): chr4:148,152,488, G>T on the plus strand (C>A on the coding strand, the complement: NR3C2 is on the minus strand). VCF-style: chr4-148152488-G-T. GRCh37 (hg19) VCF-style: chr4-149073639-G-T.
Other names: c.2140C>A, p.Pro714Thr (NM_001166104.2, NM_001354819.1); short protein forms P714T, P831T.
Identifiers: ClinVar variation 3776326 (VCV003776326.1).

ClinVar aggregate classification (germline): Uncertain significance (1 of 4 stars; one submission).

Submission:

GeneDx
Classification: Uncertain significance. Last evaluated: 2024-10-06. Review status: criteria provided, single submitter. Criteria: GeneDx Variant Classification Process June 2021. Collection method: clinical testing. Allele origin: germline. Affected: yes.
Comment: In silico analysis supports that this missense variant has a deleterious effect on protein structure/function; Has not been previously published as pathogenic or benign to our knowledge; Not observed at significant frequency in large population cohorts (gnomAD)